The following is an entry in ClinVar:

ClinVar aggregate classification (germline): Uncertain significance (1 of 4 stars; one submission).

Conditions:
Alstrom syndrome (ALMS). Identifiers: Orphanet 64, MedGen C0268425, MONDO:0008763, OMIM 203800.

Allele frequency attached by ClinVar (database versions not stated): gnomAD 0.00001; TOPMed 0.00001.
gnomAD v4.1: 2 of 1,613,890 alleles (0.00012%); highest among the groups gnomAD compares: Non-Finnish European, 0.00017%; no homozygotes.

Submission:

Labcorp Genetics (formerly Invitae), Labcorp
Classification: Uncertain significance for Alstrom syndrome. Last evaluated: 2021-08-16. Review status: criteria provided, single submitter. Criteria: Invitae Variant Classification Sherloc (09022015). Collection method: clinical testing. Allele origin: germline.
Comment: This sequence change replaces glutamic acid with glutamine at codon 550 of the ALMS1 protein (p.Glu550Gln). The glutamic acid residue is weakly conserved and there is a small physicochemical difference between glutamic acid and glutamine. This variant is not present in population databases (ExAC no frequency). This variant has not been reported in the literature in individuals affected with ALMS1-related conditions. Experimental studies and prediction algorithms are not available or were not evaluated, and the functional significance of this variant is currently unknown. In summary, the available evidence is currently insufficient to determine the role of this variant in disease. Therefore, it has been classified as a Variant of Uncertain Significance.

NM_001378454.1(ALMS1):c.1645G>C (p.Glu549Gln)

Gene: ALMS1 (ALMS1 centrosome and basal body associated protein; plus strand). Cytogenetic location: 2p13.1.
Variant type: single nucleotide variant.
Coding change: c.1645G>C on transcript NM_001378454.1 (MANE Select); coding-DNA position 1645, G replaced by C.
Protein change: p.Glu549Gln; replaces glutamic acid 549 with glutamine.
Molecular consequence: missense variant.
Genome position (GRCh38, 1-based): chr2:73,448,172, G>C. VCF-style: chr2-73448172-G-C. GRCh37 (hg19) VCF-style: chr2-73675299-G-C.
Other names: c.1648G>C, p.Glu550Gln (NM_015120.4); short protein forms E550Q, E549Q.
Identifiers: ClinVar variation 1440460 (VCV001440460.3), dbSNP rs1203221115, ClinGen allele CA347265001.